The following is an entry in ClinVar:

NM_006744.4(RBP4):c.505A>T (p.Ile169Phe)

Gene: RBP4 (retinol binding protein 4; minus strand). Cytogenetic location: 10q23.33.
Variant type: single nucleotide variant.
Coding change: c.505A>T on transcript NM_006744.4 (MANE Select); coding-DNA position 505, A replaced by T.
Protein change: p.Ile169Phe; replaces isoleucine 169 with phenylalanine.
Molecular consequence: missense variant.
Genome position (GRCh38, 1-based): chr10:93,593,886, T>A on the plus strand (A>T on the coding strand, the complement: RBP4 is on the minus strand). VCF-style: chr10-93593886-T-A. GRCh37 (hg19) VCF-style: chr10-95353643-T-A.
Other names: c.505A>T, p.Ile169Phe (NM_001323517.1); c.499A>T, p.Ile167Phe (NM_001323518.2); short protein forms I167F, I169F.
Identifiers: ClinVar variation 3614207 (VCV003614207.2).

ClinVar aggregate classification (germline): Uncertain significance (1 of 4 stars; one submission).

Submission:

Labcorp Genetics (formerly Invitae), Labcorp
Classification: Uncertain significance. Last evaluated: 2024-04-29. Review status: criteria provided, single submitter. Criteria: Invitae Variant Classification Sherloc (09022015). Collection method: clinical testing. Allele origin: germline.
Comment: This sequence change replaces isoleucine, which is neutral and non-polar, with phenylalanine, which is neutral and non-polar, at codon 169 of the RBP4 protein (p.Ile169Phe). This variant is present in population databases (rs766167167, gnomAD 0.0009%). This variant has not been reported in the literature in individuals affected with RBP4-related conditions. An algorithm developed to predict the effect of missense changes on protein structure and function (PolyPhen-2) suggests that this variant is likely to be tolerated. In summary, the available evidence is currently insufficient to determine the role of this variant in disease. Therefore, it has been classified as a Variant of Uncertain Significance.